The following is an entry in ClinVar:

NM_015295.3(SMCHD1):c.511T>G (p.Phe171Val)

Gene: SMCHD1 (structural maintenance of chromosomes flexible hinge domain containing 1; plus strand). Cytogenetic location: 18p11.32.
Variant type: single nucleotide variant.
Coding change: c.511T>G on transcript NM_015295.3 (MANE Select); coding-DNA position 511, T replaced by G.
Protein change: p.Phe171Val; replaces phenylalanine 171 with valine.
Molecular consequence: missense variant.
Genome position (GRCh38, 1-based): chr18:2,674,018, T>G. VCF-style: chr18-2674018-T-G. GRCh37 (hg19) VCF-style: chr18-2674017-T-G.
Other names: short protein forms F171V.
Identifiers: ClinVar variation 431465 (VCV000431465.2), dbSNP rs1135402740, ClinGen allele CA401689909.

ClinVar aggregate classification (germline): Uncertain significance. Review status: criteria provided, single submitter (1 of 4 stars). 3 submissions from 2 submitters: Uncertain significance (1). 2 of the submissions do not count toward it. Last evaluated 2022-06-21.

Conditions:
Arrhinia with choanal atresia and microphthalmia syndrome. Also called: ARHINIA, CHOANAL ATRESIA, MICROPHTHALMIA, AND HYPOGONADOTROPIC HYPOGONADISM; Arhinia, choanal atresia, and microphthalmia; Arrhinia-choanal atresia-microphthalmia syndrome. Identifiers: Orphanet 1135, Orphanet 2250, MedGen C1863878, MONDO:0011323, OMIM 603457.
Cryptorchidism. Also called: undescended testicle; Undescended testes. Identifiers: MedGen C0010417, MONDO:0009047, OMIM 219050, HP:0000028.
Microphallus. Identifiers: MedGen C0240701, HP:0030260.
Short nose. Also called: Nasal hypoplasia. Identifiers: MedGen C1854114, HP:0003196.

Submissions (3):

HudsonAlpha Institute for Biotechnology
Classification: Uncertain significance for Arrhinia with choanal atresia and microphthalmia syndrome. Last evaluated: 2022-06-21. Review status: criteria provided, single submitter. Criteria: ACMG Guidelines, 2015. Collection method: research. Allele origin: unknown. Affected: yes. Observed: 1 variant allele. Study: HudsonAlpha-AGHI-WGS.
Comment: ACMG codes: PM1, PM2, PP3, PP3

MGH Harvard Center for Reproductive Medicine, Massachusetts General Hospital
Classification: Pathogenic for Arrhinia with choanal atresia and microphthalmia syndrome. Review status: no assertion criteria provided. Collection method: research. Allele origin: unknown. Affected: yes. Observed: 1 variant allele. Not counted in ClinVar's aggregate classification.

MGH Harvard Center for Reproductive Medicine, Massachusetts General Hospital
Classification: Pathogenic for cryptorchidism; microphallus; hypoplastic nose. Review status: no assertion criteria provided. Collection method: research. Allele origin: unknown. Affected: yes. Observed: 1 variant allele. Not counted in ClinVar's aggregate classification.

Literature cited by the submitters: PubMed 28067909 (cited by MGH Harvard Center for Reproductive Medicine, Massachusetts General Hospital).